The following is an entry in ClinVar:

NM_182961.4(SYNE1):c.9953G>A (p.Ser3318Asn)

Gene: SYNE1 (spectrin repeat containing nuclear envelope protein 1; minus strand). Cytogenetic location: 6q25.2.
Variant type: single nucleotide variant.
Coding change: c.9953G>A on transcript NM_182961.4 (MANE Select); coding-DNA position 9953, G replaced by A.
Protein change: p.Ser3318Asn; replaces serine 3318 with asparagine.
Molecular consequence: missense variant.
Genome position (GRCh38, 1-based): chr6:152,367,237, C>T on the plus strand (G>A on the coding strand, the complement: SYNE1 is on the minus strand). VCF-style: chr6-152367237-C-T. GRCh37 (hg19) VCF-style: chr6-152688372-C-T.
Other names: c.9974G>A (NM_033071.3); c.9974G>A, p.Ser3325Asn (NM_033071.5); short protein forms S3318N, S3325N.
Identifiers: ClinVar variation 198326 (VCV000198326.16), dbSNP rs746689638, ClinGen allele CA246914.

ClinVar aggregate classification (germline): Uncertain significance. Review status: criteria provided, multiple submitters, no conflicts (2 of 4 stars). 5 submissions from 5 submitters: Uncertain significance (5). Last evaluated 2025-11-19.

Conditions:
Autosomal recessive ataxia, Beauce type. Also called: SYNE1 Deficiency; Spinocerebellar ataxia, autosomal recessive 8; SYNE1-Related Autosomal Recessive Cerebellar Ataxia; ATAXIA, RECESSIVE, OF BEAUCE. Identifiers: Orphanet 88644, MedGen C1853116, MONDO:0012549, OMIM 610743.
Emery-Dreifuss muscular dystrophy 4, autosomal dominant (EDMD4). Also called: EMERY-DREIFUSS MUSCULAR DYSTROPHY 4 WITH VARIABLE FEATURES. Identifiers: Orphanet 261, MedGen C2751807, MONDO:0013071, OMIM 612998.

Allele frequency attached by ClinVar (database versions not stated): ExAC 0.00002; gnomAD 0.00002; gnomAD exomes 0.00003; TOPMed 0.00003.
gnomAD v4.1: 41 of 1,614,098 alleles (0.0025%); highest among the groups gnomAD compares: Non-Finnish European, 0.0033%; no homozygotes.

Submissions (5):

Women's Health and Genetics/Laboratory Corporation of America, LabCorp
Classification: Uncertain significance. Last evaluated: 2025-11-19. Review status: criteria provided, single submitter. Criteria: LabCorp Variant Classification Summary - May 2015. Collection method: clinical testing. Allele origin: germline.
Comment: Variant summary: SYNE1 c.9974G>A (p.Ser3325Asn) results in a conservative amino acid change in the encoded protein sequence. Algorithms developed to predict the effect of missense changes on protein structure and function are either unavailable or do not agree on the potential impact of this missense change. The variant allele was found at a frequency of 2.8e-05 in 251468 control chromosomes. The available data on variant occurrences in the general population are insufficient to allow any conclusion about variant significance. To our knowledge, no occurrence of c.9974G>A in individuals affected with SYNE1-related conditions and no experimental evidence demonstrating its impact on protein function have been reported. ClinVar contains an entry for this variant (Variation ID: 198326). Based on the evidence outlined above, the variant was classified as uncertain significance.

Revvity Omics, Revvity
Classification: Uncertain significance. Last evaluated: 2024-12-13. Review status: criteria provided, single submitter. Criteria: ACMG Guidelines, 2015. Collection method: clinical testing. Allele origin: germline.

Labcorp Genetics (formerly Invitae), Labcorp
Classification: Uncertain significance for Emery-Dreifuss muscular dystrophy 4, autosomal dominant; Autosomal recessive ataxia, Beauce type. Last evaluated: 2022-06-20. Review status: criteria provided, single submitter. Criteria: Invitae Variant Classification Sherloc (09022015). Collection method: clinical testing. Allele origin: germline.
Comment: This sequence change replaces serine, which is neutral and polar, with asparagine, which is neutral and polar, at codon 3325 of the SYNE1 protein (p.Ser3325Asn). This variant is present in population databases (rs746689638, gnomAD 0.006%). This variant has not been reported in the literature in individuals affected with SYNE1-related conditions. ClinVar contains an entry for this variant (Variation ID: 198326). Algorithms developed to predict the effect of missense changes on protein structure and function are either unavailable or do not agree on the potential impact of this missense change (SIFT: "Deleterious"; PolyPhen-2: "Benign"; Align-GVGD: "Class C0"). In summary, the available evidence is currently insufficient to determine the role of this variant in disease. Therefore, it has been classified as a Variant of Uncertain Significance.

Fulgent Genetics
Classification: Uncertain significance for Autosomal recessive ataxia, Beauce type; Emery-Dreifuss muscular dystrophy 4, autosomal dominant. Last evaluated: 2018-10-31. Review status: criteria provided, single submitter. Criteria: ACMG Guidelines, 2015. Collection method: clinical testing. Allele origin: unknown.

Eurofins Ntd Llc (ga)
Classification: Uncertain significance. Last evaluated: 2014-11-17. Review status: criteria provided, single submitter. Criteria: EGL Classification Definitions 2015. Collection method: clinical testing. Allele origin: germline. Observed: 2 variant alleles, 2 heterozygotes.